The following is an entry in ClinVar:

NM_000535.7(PMS2):c.985T>A (p.Ser329Thr)

Gene: PMS2 (PMS1 homolog 2, mismatch repair system component; minus strand). Cytogenetic location: 7p22.1.
Variant type: single nucleotide variant.
Coding change: c.985T>A on transcript NM_000535.7 (MANE Select); coding-DNA position 985, T replaced by A.
Protein change: p.Ser329Thr; replaces serine 329 with threonine.
Molecular consequence: missense variant. On other transcripts: non-coding transcript variant (1).
Genome position (GRCh38, 1-based): chr7:5,991,976, A>T on the plus strand (T>A on the coding strand, the complement: PMS2 is on the minus strand). VCF-style: chr7-5991976-A-T. GRCh37 (hg19) VCF-style: chr7-6031607-A-T.
Other names: c.580T>A, p.Ser194Thr (NM_001322003.2, NM_001322004.2, NM_001322005.2 and 2 more transcripts); c.985T>A, p.Ser329Thr (NM_001322006.2, NM_001322014.2); c.667T>A, p.Ser223Thr (NM_001322007.2, NM_001322008.2); c.52T>A, p.Ser18Thr (NM_001322011.2, NM_001322012.2); c.412T>A, p.Ser138Thr (NM_001322013.2); c.676T>A, p.Ser226Thr (NM_001322015.2); short protein forms S138T, S18T, S194T, S223T, S329T, S226T.
Identifiers: ClinVar variation 823519 (VCV000823519.4), dbSNP rs1583344749, ClinGen allele CA366743062.

ClinVar aggregate classification (germline): Uncertain significance (1 of 4 stars; one submission).

Conditions:
Hereditary cancer-predisposing syndrome. Also called: Tumor predisposition; Hereditary Cancer Syndrome; Neoplastic Syndromes, Hereditary; Hereditary neoplastic syndrome. Identifiers: Orphanet 140162, MedGen C0027672, MeSH D009386, MONDO:0015356.

Submission:

Ambry Genetics
Classification: Uncertain significance for Hereditary cancer-predisposing syndrome. Last evaluated: 2018-12-12. Review status: criteria provided, single submitter. Criteria: Ambry Variant Classification Scheme 2023. Collection method: clinical testing. Allele origin: germline.
Comment: The p.S329T variant (also known as c.985T>A), located in coding exon 9 of the PMS2 gene, results from a T to A substitution at nucleotide position 985. The serine at codon 329 is replaced by threonine, an amino acid with similar properties. This amino acid position is well conserved in available vertebrate species. In addition, the in silico prediction for this alteration is inconclusive. Since supporting evidence is limited at this time, the clinical significance of this alteration remains unclear.